The following is an entry in ClinVar:

ClinVar aggregate classification (germline): Uncertain significance (1 of 4 stars; one submission).

gnomAD v4.1: 5 of 1,614,102 alleles (0.00031%); highest among the groups gnomAD compares: Non-Finnish European, 0.00042%; no homozygotes.

Submission:

Labcorp Genetics (formerly Invitae), Labcorp
Classification: Uncertain significance. Last evaluated: 2020-12-28. Review status: criteria provided, single submitter. Criteria: Invitae Variant Classification Sherloc (09022015). Collection method: clinical testing. Allele origin: germline.
Comment: This variant is not present in population databases (ExAC no frequency). In summary, the available evidence is currently insufficient to determine the role of this variant in disease. Therefore, it has been classified as a Variant of Uncertain Significance. Algorithms developed to predict the effect of missense changes on protein structure and function are either unavailable or do not agree on the potential impact of this missense change (SIFT: "Deleterious"; PolyPhen-2: "Benign"; Align-GVGD: "Class C0"). This variant has not been reported in the literature in individuals with TRPM1-related conditions. This sequence change replaces leucine with phenylalanine at codon 880 of the TRPM1 protein (p.Leu880Phe). The leucine residue is highly conserved and there is a small physicochemical difference between leucine and phenylalanine.

NM_001252024.2(TRPM1):c.2704C>T (p.Leu902Phe)

Genes: TRPM1 (transient receptor potential cation channel subfamily M member 1; minus strand), TRPM1-AS1 (TRPM1 antisense RNA 1; plus strand). Cytogenetic location: 15q13.3.
Variant type: single nucleotide variant.
Coding change: c.2704C>T on transcript NM_001252024.2 (MANE Select); coding-DNA position 2704, C replaced by T.
Protein change: p.Leu902Phe; replaces leucine 902 with phenylalanine.
Molecular consequence: missense variant.
Genome position (GRCh38, 1-based): chr15:31,032,937, G>A on the plus strand (C>T on the coding strand, the complement: TRPM1 is on the minus strand). VCF-style: chr15-31032937-G-A. GRCh37 (hg19) VCF-style: chr15-31325140-G-A.
Other names: c.2755C>T, p.Leu919Phe (NM_001252020.2); c.2638C>T, p.Leu880Phe (NM_002420.6); short protein forms L880F, L902F, L919F.
Identifiers: ClinVar variation 1361009 (VCV001361009.8), dbSNP rs2140913108, ClinGen allele CA391546615.
Genomic context (GRCh38, chr15:31,032,937, plus strand): 5'-TCCAGTACTCCTGAAGCCAAACTTTGATTTTCTGGCTGAGTTTGCCTGGTTCTGACATGA[G>A]GATCTGAAAACAAACCCCAAAGAACAATAAACTGAGATGCCGTATTAGAAGTCTTGTCTT-3'
Protein context (NP_001238953.1, residues 892-912): SLALEKIREI[Leu902Phe]MSEPGKLSQK